The following is an entry in ClinVar:

NM_000079.4(CHRNA1):c.566A>G (p.Asn189Ser)

Gene: CHRNA1 (cholinergic receptor nicotinic alpha 1 subunit; minus strand). Cytogenetic location: 2q31.1.
Variant type: single nucleotide variant.
Coding change: c.566A>G on transcript NM_000079.4 (MANE Select); coding-DNA position 566, A replaced by G.
Protein change: p.Asn189Ser; replaces asparagine 189 with serine.
Molecular consequence: missense variant.
Genome position (GRCh38, 1-based): chr2:174,753,715, T>C on the plus strand (A>G on the coding strand, the complement: CHRNA1 is on the minus strand). VCF-style: chr2-174753715-T-C. GRCh37 (hg19) VCF-style: chr2-175618443-T-C.
Other names: c.641A>G, p.Asn214Ser (NM_001039523.3); short protein forms N214S, N189S.
Identifiers: ClinVar variation 4887471 (VCV004887471.1), dbSNP rs267599011.
Genomic context (GRCh38, chr2:174,753,715, plus strand): 5'-GTCACGGAGTGCTTCCAGCCCCGGGACTCCTTGATCACCCACTCCCCGCTCTCCATGAAG[T>C]TGCTCAGGTCTGGCTGGTCGCTTTCCTGAGAAAGGAAGTGAGGTTTGGAAATCCCAGGCA-3'
Protein context (NP_000070.1, residues 179-199): NPESDQPDLS[Asn189Ser]FMESGEWVIK

ClinVar aggregate classification (germline): Uncertain significance (1 of 4 stars; one submission).

gnomAD v4.1: 3 of 1,613,876 alleles (0.00019%); highest among the groups gnomAD compares: African/African-American, 0.0027%; no homozygotes.

Submission:

Women's Health and Genetics/Laboratory Corporation of America, LabCorp
Classification: Uncertain significance. Last evaluated: 2026-06-05. Review status: criteria provided, single submitter. Criteria: LabCorp Variant Classification Summary - May 2015. Collection method: clinical testing. Allele origin: germline.
Comment: Variant summary: CHRNA1 c.566A>G (p.Asn189Ser) results in a conservative amino acid change in the encoded protein sequence. Algorithms developed to predict the effect of missense changes on protein structure and function are either unavailable or do not agree on the potential impact of this missense change. The variant was absent in 250958 control chromosomes. The available data on variant occurrences in the general population are insufficient to allow any conclusion about variant significance. To our knowledge, no occurrence of c.566A>G in individuals affected with CHRNA1-related conditions and no experimental evidence demonstrating its impact on protein function have been reported. No submitters have cited clinical-significance assessments for this variant to ClinVar. Based on the evidence outlined above, the variant was classified as uncertain significance.